The following is an entry in ClinVar:

ClinVar aggregate classification (germline): Uncertain significance. Review status: criteria provided, single submitter (1 of 4 stars). 2 submissions from 2 submitters: Uncertain significance (1). 1 of the submissions does not count toward it. Last evaluated 2024-12-04.

Conditions:
Inborn genetic diseases. Identifiers: MedGen C0950123, MeSH D030342.
SHANK1-related disorder. Also called: SHANK1-related condition.

Submissions (2):

Ambry Genetics
Classification: Uncertain significance for Inborn genetic diseases. Last evaluated: 2024-12-04. Review status: criteria provided, single submitter. Criteria: Ambry Variant Classification Scheme 2023. Collection method: clinical testing. Allele origin: germline.

PreventionGenetics, part of Exact Sciences
Classification: Uncertain significance for SHANK1-related condition. Last evaluated: 2024-06-03. Review status: no assertion criteria provided. Collection method: clinical testing. Allele origin: germline. Not counted in ClinVar's aggregate classification.
Comment: The SHANK1 c.5068A>T variant is predicted to result in the amino acid substitution p.Thr1690Ser. To our knowledge, this variant has not been reported in the literature or in a large population database, indicating this variant is rare. At this time, the clinical significance of this variant is uncertain due to the absence of conclusive functional and genetic evidence.

NM_016148.5(SHANK1):c.5068A>T (p.Thr1690Ser)

Gene: SHANK1 (SH3 and multiple ankyrin repeat domains 1; minus strand). Cytogenetic location: 19q13.33.
Variant type: single nucleotide variant.
Coding change: c.5068A>T on transcript NM_016148.5 (MANE Select); coding-DNA position 5068, A replaced by T.
Protein change: p.Thr1690Ser; replaces threonine 1690 with serine.
Molecular consequence: missense variant.
Genome position (GRCh38, 1-based): chr19:50,666,892, T>A on the plus strand (A>T on the coding strand, the complement: SHANK1 is on the minus strand). VCF-style: chr19-50666892-T-A. GRCh37 (hg19) VCF-style: chr19-51170149-T-A.
Other names: c.5068A>T (NM_016148.2); short protein forms T1690S.
Identifiers: ClinVar variation 3347122 (VCV003347122.2).